The following is an entry in ClinVar:

NM_198576.4(AGRN):c.6005G>T (p.Gly2002Val)

Gene: AGRN (agrin; plus strand). Cytogenetic location: 1p36.33.
Variant type: single nucleotide variant.
Coding change: c.6005G>T on transcript NM_198576.4 (MANE Select); coding-DNA position 6005, G replaced by T.
Protein change: p.Gly2002Val; replaces glycine 2002 with valine.
Molecular consequence: missense variant.
Genome position (GRCh38, 1-based): chr1:1,054,848, G>T. VCF-style: chr1-1054848-G-T. GRCh37 (hg19) VCF-style: chr1-990228-G-T.
Other names: c.6074G>T, p.Gly2025Val (NM_001305275.2); c.5702G>T, p.Gly1901Val (NM_001364727.2); short protein forms G2002V, G2025V, G1901V.
Identifiers: ClinVar variation 1363694 (VCV001363694.6), dbSNP rs768333859, ClinGen allele CA337786509.

ClinVar aggregate classification (germline): Uncertain significance (1 of 4 stars; one submission).

Conditions:
Congenital myasthenic syndrome 8. Also called: MYASTHENIC SYNDROME, CONGENITAL, DUE TO AGRIN DEFICIENCY; Myasthenic syndrome, congenital, 8, with pre- and postsynaptic defects. Identifiers: Orphanet 590, MedGen C3808739, MONDO:0014052, OMIM 615120.

Allele frequency attached by ClinVar (database versions not stated): gnomAD exomes 0.00001.
gnomAD v4.1: 2 of 1,559,548 alleles (0.00013%); highest among the groups gnomAD compares: Admixed American, 0.0038%; no homozygotes.

Submission:

Labcorp Genetics (formerly Invitae), Labcorp
Classification: Uncertain significance for Congenital myasthenic syndrome 8. Last evaluated: 2021-11-08. Review status: criteria provided, single submitter. Criteria: Invitae Variant Classification Sherloc (09022015). Collection method: clinical testing. Allele origin: germline.
Comment: The frequency data for this variant in the population databases is considered unreliable, as metrics indicate poor data quality at this position in the gnomAD database. This variant has not been reported in the literature in individuals affected with AGRN-related conditions. Algorithms developed to predict the effect of missense changes on protein structure and function are either unavailable or do not agree on the potential impact of this missense change (SIFT: "Deleterious"; PolyPhen-2: "Probably Damaging"; Align-GVGD: "Class C0"). In summary, the available evidence is currently insufficient to determine the role of this variant in disease. Therefore, it has been classified as a Variant of Uncertain Significance. This sequence change replaces glycine, which is neutral and non-polar, with valine, which is neutral and non-polar, at codon 2002 of the AGRN protein (p.Gly2002Val).